The following is an entry in ClinVar:

NM_006389.5(HYOU1):c.537C>T (p.Phe179=)

Gene: HYOU1 (hypoxia up-regulated 1; minus strand). Cytogenetic location: 11q23.3.
Variant type: single nucleotide variant.
Coding change: c.537C>T on transcript NM_006389.5 (MANE Select); coding-DNA position 537, C replaced by T.
Protein change: p.Phe179=; no amino-acid change (phenylalanine 179 retained).
Molecular consequence: synonymous variant.
Genome position (GRCh38, 1-based): chr11:119,054,635, G>A on the plus strand (C>T on the coding strand, the complement: HYOU1 is on the minus strand). VCF-style: chr11-119054635-G-A. GRCh37 (hg19) VCF-style: chr11-118925347-G-A.
Other names: c.537C>T, p.Phe179= (NM_001130991.3, NM_001411041.1).
Identifiers: ClinVar variation 3641773 (VCV003641773.2).

ClinVar aggregate classification (germline): Uncertain significance (1 of 4 stars; one submission).

Submission:

Labcorp Genetics (formerly Invitae), Labcorp
Classification: Uncertain significance. Last evaluated: 2024-02-17. Review status: criteria provided, single submitter. Criteria: Invitae Variant Classification Sherloc (09022015). Collection method: clinical testing. Allele origin: germline.
Comment: This sequence change affects codon 179 of the HYOU1 mRNA. It is a 'silent' change, meaning that it does not change the encoded amino acid sequence of the HYOU1 protein. This variant is not present in population databases (gnomAD no frequency). This variant has not been reported in the literature in individuals affected with HYOU1-related conditions. Algorithms developed to predict the effect of sequence changes on RNA splicing suggest that this variant may create or strengthen a splice site. In summary, the available evidence is currently insufficient to determine the role of this variant in disease. Therefore, it has been classified as a Variant of Uncertain Significance.